The following is an entry in ClinVar:

ClinVar aggregate classification (germline): Pathogenic (1 of 4 stars; one submission).

Conditions:
Hereditary thrombocytopenia and hematological cancer predisposition syndrome associated with RUNX1. Also called: Familial Platelet Disorder with Propensity to Acute Myelogenous Leukemia; Familial thrombocytopenia with propensity to acute myelogenous leukemia; PLATELET DISORDER, ASPIRIN-LIKE; RUNX1 Familial Platelet Disorder with Associated Myeloid Malignancies. Identifiers: Orphanet 71290, MedGen C1832388, MeSH C563324, MONDO:0100083, OMIM 601399.

Submission:

Labcorp Genetics (formerly Invitae), Labcorp
Classification: Pathogenic for Hereditary thrombocytopenia and hematological cancer predisposition syndrome associated with RUNX1. Last evaluated: 2022-09-08. Review status: criteria provided, single submitter. Criteria: Invitae Variant Classification Sherloc (09022015). Collection method: clinical testing. Allele origin: germline.
Comment: A gross deletion of the genomic region encompassing the full coding sequence of the RUNX1 gene has been identified. Loss-of-function variants in RUNX1 are known to be pathogenic (PMID: 18723428, 24100448). The boundaries of this event are unknown as they extend beyond the assayed region for this gene and therefore may encompass additional genes. This variant has not been reported in the literature in individuals affected with RUNX1-related conditions. For these reasons, this variant has been classified as Pathogenic.

Literature cited by the submitters: PubMed 18723428; PubMed 24100448.

NC_000021.8:g.(?_36079578)_(37133458_?)del

Genes: CLIC6 (CLIC family member 6; plus strand), RUNX1 (RUNX family transcription factor 1; minus strand). Cytogenetic location: 21q22.12.
Variant type: Deletion.
Identifiers: ClinVar variation 2424231 (VCV002424231.3).